The following is an entry in ClinVar:

NM_001330288.2(SMARCC2):c.135CAA[1] (p.Asn46del)

Gene: SMARCC2 (SWI/SNF related BAF chromatin remodeling complex subunit C2; minus strand). Cytogenetic location: 12q13.2.
Variant type: Microsatellite.
Coding change: c.135CAA[1] on transcript NM_001330288.2 (MANE Select); one copy of the 3-base unit CAA starting at c.135; the reference has two copies in a row; one copy, 3 bases deleted.
Protein change: p.Asn46del; deletes asparagine 46.
Molecular consequence: inframe deletion.
Genome position (GRCh38, 1-based): chr12:56,187,278-56,187,280, TTG deleted on the plus strand (CAA on the coding strand, the reverse complement: SMARCC2 is on the minus strand); deleting any 3 consecutive bases within chr12:56,187,278-56,187,283 gives the same sequence; the position shown is the placement nearest the transcript's 3' end. VCF-style (leftmost placement, unchanged base first): chr12-56187277-CTTG-C. GRCh37 (hg19) VCF-style: chr12-56581061-CTTG-C.
Other names: c.135CAA[1], p.Asn46del (NM_001130420.3, NM_003075.5, NM_139067.4); short protein forms N46del.
Identifiers: ClinVar variation 4057148 (VCV004057148.1).

ClinVar aggregate classification (germline): Uncertain significance (1 of 4 stars; one submission).

Submission:

GeneDx
Classification: Uncertain significance. Last evaluated: 2025-01-10. Review status: criteria provided, single submitter. Criteria: GeneDx Variant Classification Process June 2021. Collection method: clinical testing. Allele origin: germline. Affected: yes.
Comment: Not observed at significant frequency in large population cohorts (gnomAD); In-frame deletion of 1 amino acid in a non-repeat region; In silico analysis supports a deleterious effect on protein structure/function; Has not been previously published as pathogenic or benign to our knowledge